The following is an entry in ClinVar:

ClinVar aggregate classification (germline): Likely benign (1 of 4 stars; one submission).

Allele frequency attached by ClinVar (database versions not stated): ESP Exome Variant Server 0.00140; 1000 Genomes Project 30x 0.00141; 1000 Genomes Project 0.00160; ExAC 0.00183; gnomAD 0.00202; TOPMed 0.00209; gnomAD exomes 0.00261.

Submission:

CeGaT Center for Human Genetics Tuebingen
Classification: Likely benign. Last evaluated: 2024-04-01. Review status: criteria provided, single submitter. Criteria: CeGaT Center For Human Genetics Tuebingen Variant Classification Criteria Version 2. Collection method: clinical testing. Allele origin: germline. Affected: yes. Observed: 1 variant allele.
Comment: SPEM1: BP4

NM_199339.3(SPEM1):c.883G>A (p.Glu295Lys)

Gene: SPEM1 (spermatid maturation 1; plus strand). Cytogenetic location: 17p13.1.
Variant type: single nucleotide variant.
Coding change: c.883G>A on transcript NM_199339.3 (MANE Select); coding-DNA position 883, G replaced by A.
Protein change: p.Glu295Lys; replaces glutamic acid 295 with lysine.
Molecular consequence: missense variant.
Genome position (GRCh38, 1-based): chr17:7,421,558, G>A. VCF-style: chr17-7421558-G-A. GRCh37 (hg19) VCF-style: chr17-7324877-G-A.
Other names: short protein forms E295K.
Identifiers: ClinVar variation 3234155 (VCV003234155.20), dbSNP rs183759658, ClinGen allele CA8346559.